The following is an entry in ClinVar:

ClinVar aggregate classification (germline): Conflicting classifications of pathogenicity. Review status: criteria provided, conflicting classifications (1 of 4 stars). 2 submissions from 2 submitters: Uncertain significance (1); Likely benign (1). Last evaluated 2025-10-21.

Conditions:
Epilepsy. Also called: Seizure disorder. Identifiers: MedGen C0014544, MeSH D004827, MONDO:0005027.
PIGQ-related disorder. Also called: PIGQ-related condition.

Allele frequency attached by ClinVar (database versions not stated): ExAC 0.00002; gnomAD exomes 0.00002; TOPMed 0.00002; gnomAD 0.00003; 1000 Genomes Project 30x 0.00016; 1000 Genomes Project 0.00020.
gnomAD v4.1: 17 of 1,606,640 alleles (0.0011%); highest among the groups gnomAD compares: Admixed American, 0.0033%; no homozygotes.

Submissions (2):

PreventionGenetics, part of Exact Sciences
Classification: Uncertain significance for PIGQ-related condition. Last evaluated: 2025-10-21. Review status: criteria provided, single submitter. Criteria: ACMG Guidelines, 2015. Collection method: clinical testing. Allele origin: germline.
Comment: The PIGQ c.1549C>T variant is predicted to result in premature protein termination (p.Gln517*). To our knowledge, this variant has not been reported in the literature. This variant is reported in 0.0040% of alleles in individuals of African descent in gnomAD. This variant is located in the terminal exon. In the primary transcript, this variant is synonymous (NM_004204:c.1611C>T (p.=)). Although we suspect that this variant may be benign, at this time, the clinical significance of this variant is uncertain due to the absence of conclusive functional and genetic evidence.

Labcorp Genetics (formerly Invitae), Labcorp
Classification: Likely benign for Epilepsy. Last evaluated: 2025-03-07. Review status: criteria provided, single submitter. Criteria: Invitae Variant Classification Sherloc (09022015). Collection method: clinical testing. Allele origin: germline.

NM_004204.5(PIGQ):c.1611C>T (p.Tyr537=)

Gene: PIGQ (phosphatidylinositol glycan anchor biosynthesis class Q; plus strand). Cytogenetic location: 16p13.3.
Variant type: single nucleotide variant.
Coding change: c.1611C>T on transcript NM_004204.5 (MANE Select); coding-DNA position 1611, C replaced by T.
Protein change: p.Tyr537=; no amino-acid change (tyrosine 537 retained).
Molecular consequence: synonymous variant. On other transcripts: nonsense (1).
Genome position (GRCh38, 1-based): chr16:582,900, C>T. VCF-style: chr16-582900-C-T. GRCh37 (hg19) VCF-style: chr16-632900-C-T.
Other names: c.1549C>T, p.Gln517Ter (NM_148920.4); c.1549C>T (NM_148920.2); short protein forms Q517*.
Identifiers: ClinVar variation 1645295 (VCV001645295.9), dbSNP rs200078807, ClinGen allele CA7780489.
Genomic context (GRCh38, chr16:582,900, plus strand): 5'-GGAGCTCAGACCACCCCACTGACCGCTGCCCTTGTCCTTCCAGATAAACCCACTGCCCTA[C>T]AGCCGCGTGGTGCACACCTACCGCCTCCCCAGCTGTGGCTGCCACCCCAAGCACTCCTGG-3'
Protein context (NP_004195.2, residues 527-547): RLLMQINPLP[Tyr537=]SRVVHTYRLP